The following is an entry in ClinVar:

ClinVar aggregate classification (germline): Uncertain significance. Review status: criteria provided, multiple submitters, no conflicts (2 of 4 stars). 2 submissions from 2 submitters: Uncertain significance (2). Last evaluated 2024-04-11.

Allele frequency attached by ClinVar (database versions not stated): ExAC 0.00002; TOPMed 0.00006; ESP Exome Variant Server 0.00008; gnomAD 0.00008; gnomAD exomes 0.00010.

Submissions (2):

Clinical Genomics Laboratory, Washington University in St. Louis
Classification: Uncertain significance. Last evaluated: 2024-04-11. Review status: criteria provided, single submitter. Criteria: ACMG Guidelines, 2015. Collection method: clinical testing. Allele origin: germline.
Comment: The SH3RF2 c.491del (p.Gln164Argfs*49) variant, to our knowledge, has not been reported in the medical literature. This variant is only observed on 13/281,828 alleles in the general population (gnomAD v.2.1.1), indicating it is not a common variant. This variant causes a frameshift by deleting one nucleotide, leading to a premature termination codon, which is predicted to lead to nonsense mediated decay. Due to limited information, the clinical significance of this variant is uncertain.

Blueprint Genetics
Classification: Uncertain significance. Last evaluated: 2022-07-01. Review status: criteria provided, single submitter. Criteria: ACMG Guidelines, 2015. Collection method: clinical testing. Allele origin: germline.

NM_152550.4(SH3RF2):c.491del (p.Gln164fs)

Gene: SH3RF2 (SH3 domain containing ring finger 2; plus strand). Cytogenetic location: 5q32.
Variant type: Deletion.
Coding change: c.491del on transcript NM_152550.4 (MANE Select); coding-DNA position 491, one base deleted (A; older notation c.491delA).
Protein change: p.Gln164fs; shifts the reading frame from glutamine 164.
Molecular consequence: frameshift variant.
Genome position (GRCh38, 1-based): chr5:146,000,170, A deleted. VCF-style (leftmost placement, unchanged base first): chr5-146000169-CA-C. GRCh37 (hg19) VCF-style: chr5-145379732-CA-C.
Other names: short protein forms Q164fs.
Identifiers: ClinVar variation 3236557 (VCV003236557.2), dbSNP rs751617770, ClinGen allele CA3488296.
Genomic context (GRCh38, chr5:146,000,169, plus strand): 5'-CTAAGGTTTAATAAGGGAGATATCATCCTTCTCCGGAGACAGCTTGATGAGAATTGGTAC[CA>C]GGGGGAAATCAATGGCATCAGCGGGAACTTCCCAGCCAGCTCCGTGGAAGTCATCAAGCA-3'